The following is an entry in ClinVar:

NM_004415.4(DSP):c.2877+1G>A

Gene: DSP (desmoplakin; plus strand). Cytogenetic location: 6p24.3.
Variant type: single nucleotide variant.
Coding change: c.2877+1G>A on transcript NM_004415.4 (MANE Select); the canonical splice donor site of the intron after coding-DNA position 2877, G replaced by A.
Molecular consequence: splice donor variant.
Genome position (GRCh38, 1-based): chr6:7,577,043, G>A. VCF-style: chr6-7577043-G-A. GRCh37 (hg19) VCF-style: chr6-7577276-G-A.
Other names: c.2877+1G>A (NM_001319034.2, NM_001008844.3).
Identifiers: ClinVar variation 1516991 (VCV001516991.8), dbSNP rs2113687794, ClinGen allele CA362682337.

ClinVar aggregate classification (germline): Likely pathogenic (1 of 4 stars; one submission).

Conditions:
Arrhythmogenic right ventricular dysplasia 8 (ARVD8). Also called: Arrhythmogenic Right Ventricular Dysplasia/Cardiomyopathy 8; ARRHYTHMOGENIC RIGHT VENTRICULAR DYSPLASIA, FAMILIAL, 8; ARRHYTHMOGENIC RIGHT VENTRICULAR CARDIOMYOPATHY 8. Identifiers: MedGen C1843896, MONDO:0011831, OMIM 607450.
Arrhythmogenic cardiomyopathy with wooly hair and keratoderma. Also called: Arrhythmogenic cardiomyopathy with woolly hair and keratoderma; Carvajal syndrome; PALMOPLANTAR KERATODERMA WITH LEFT VENTRICULAR CARDIOMYOPATHY AND WOOLLY HAIR; Dilated cardiomyopathy with woolly hair and keratoderma. Identifiers: Orphanet 65282, MedGen C1854063, MONDO:0011581, OMIM 605676.

Submission:

Labcorp Genetics (formerly Invitae), Labcorp
Classification: Likely pathogenic for Arrhythmogenic cardiomyopathy with wooly hair and keratoderma; Arrhythmogenic right ventricular dysplasia 8. Last evaluated: 2022-11-20. Review status: criteria provided, single submitter. Criteria: Invitae Variant Classification Sherloc (09022015). Collection method: clinical testing. Allele origin: germline.
Comment: In summary, the currently available evidence indicates that the variant is pathogenic, but additional data are needed to prove that conclusively. Therefore, this variant has been classified as Likely Pathogenic. Algorithms developed to predict the effect of sequence changes on RNA splicing suggest that this variant may disrupt the consensus splice site. ClinVar contains an entry for this variant (Variation ID: 1516991). This variant has not been reported in the literature in individuals affected with DSP-related conditions. This variant is not present in population databases (gnomAD no frequency). This sequence change affects a donor splice site in intron 20 of the DSP gene. It is expected to disrupt RNA splicing. Variants that disrupt the donor or acceptor splice site typically lead to a loss of protein function (PMID: 16199547), and loss-of-function variants in DSP are known to be pathogenic (PMID: 20716751, 24503780, 25227139).

Literature cited by the submitters: PubMed 16199547; PubMed 20716751; PubMed 24503780; PubMed 25227139.